The following is an entry in ClinVar:

ClinVar aggregate classification (germline): Uncertain significance (1 of 4 stars; one submission).

gnomAD v4.1: 25 of 1,613,796 alleles (0.0015%); highest among the groups gnomAD compares: Non-Finnish European, 0.0019%; no homozygotes.

Submission:

Athena Diagnostics
Classification: Uncertain significance. Last evaluated: 2024-10-25. Review status: criteria provided, single submitter. Criteria: Athena Diagnostics Criteria. Collection method: clinical testing. Allele origin: unknown.
Comment: Available data are insufficient to determine the clinical significance of the variant at this time. The frequency of this variant in the general population is uninformative in assessment of its pathogenicity. Polyphen and MutationTaster predict this amino acid change may be benign.

NM_005619.5(RTN2):c.155C>T (p.Thr52Met)

Genes: OPA3-RTN2 (OPA3-RTN2 readthrough; minus strand), RTN2 (reticulon 2; minus strand). Cytogenetic location: 19q13.32.
Variant type: single nucleotide variant.
Coding change: c.155C>T on transcript NM_005619.5 (MANE Select); coding-DNA position 155, C replaced by T.
Protein change: p.Thr52Met; replaces threonine 52 with methionine.
Molecular consequence: missense variant.
Genome position (GRCh38, 1-based): chr19:45,494,930, G>A on the plus strand (C>T on the coding strand, the complement: RTN2 is on the minus strand). VCF-style: chr19-45494930-G-A. GRCh37 (hg19) VCF-style: chr19-45998188-G-A.
Other names: c.155C>T, p.Thr52Met (NM_206900.3); short protein forms T52M.
Identifiers: ClinVar variation 3571862 (VCV003571862.1).